The following is an entry in ClinVar:

NM_000297.4(PKD2):c.1899-10A>C

Gene: PKD2 (polycystin 2, transient receptor potential cation channel; plus strand). Cytogenetic location: 4q22.1.
Variant type: single nucleotide variant.
Coding change: c.1899-10A>C on transcript NM_000297.4 (MANE Select); 10 bases into the intron before coding-DNA position 1899, A replaced by C.
Molecular consequence: intron variant.
Genome position (GRCh38, 1-based): chr4:88,057,973, A>C. VCF-style: chr4-88057973-A-C. GRCh37 (hg19) VCF-style: chr4-88979125-A-C.
Identifiers: ClinVar variation 3029892 (VCV003029892.3), dbSNP rs780371586, ClinGen allele CA2740091309.

ClinVar aggregate classification (germline): Likely benign. Review status: criteria provided, single submitter (1 of 4 stars). 2 submissions from 2 submitters: Likely benign (1). 1 of the submissions does not count toward it. Last evaluated 2026-01-15.

Conditions:
Autosomal dominant polycystic kidney disease. Identifiers: Orphanet 730, MedGen C0085413, MONDO:0004691.
PKD2-related disorder. Also called: PKD2-related condition.

Submissions (2):

Labcorp Genetics (formerly Invitae), Labcorp
Classification: Likely benign for Autosomal dominant polycystic kidney disease. Last evaluated: 2026-01-15. Review status: criteria provided, single submitter. Criteria: Invitae Variant Classification Sherloc (09022015). Collection method: clinical testing. Allele origin: germline.

PreventionGenetics, part of Exact Sciences
Classification: Likely benign for PKD2-related condition. Last evaluated: 2024-01-04. Review status: no assertion criteria provided. Collection method: clinical testing. Allele origin: germline. Not counted in ClinVar's aggregate classification.
Comment: This variant is classified as likely benign based on ACMG/AMP sequence variant interpretation guidelines (Richards et al. 2015 PMID: 25741868, with internal and published modifications).